The following is an entry in ClinVar:

ClinVar aggregate classification (germline): Uncertain significance (1 of 4 stars; one submission).

Conditions:
Hypertrophic cardiomyopathy. Also called: HYPERTROPHIC MYOCARDIOPATHY. Identifiers: Orphanet 217569, MedGen C0007194, MeSH D002312, MONDO:0005045, HP:0001639.

Submission:

Labcorp Genetics (formerly Invitae), Labcorp
Classification: Uncertain significance for Hypertrophic cardiomyopathy. Last evaluated: 2022-10-25. Review status: criteria provided, single submitter. Criteria: Invitae Variant Classification Sherloc (09022015). Collection method: clinical testing. Allele origin: germline.
Comment: Algorithms developed to predict the effect of missense changes on protein structure and function are either unavailable or do not agree on the potential impact of this missense change (SIFT: "Not Available"; PolyPhen-2: "Benign"; Align-GVGD: "Not Available"). In summary, the available evidence is currently insufficient to determine the role of this variant in disease. Therefore, it has been classified as a Variant of Uncertain Significance. ClinVar contains an entry for this variant (Variation ID: 1442339). This sequence change replaces glycine with aspartic acid at codon 1680 of the MYOM1 protein (p.Gly1680Asp). The glycine residue is moderately conserved and there is a moderate physicochemical difference between glycine and aspartic acid. Information on the frequency of this variant in the gnomAD database is not available, as this variant may be reported differently in the database. This variant has not been reported in the literature in individuals affected with MYOM1-related conditions.

NM_003803.4(MYOM1):c.5039_5040inv (p.Gly1680Asp)

Gene: MYOM1 (myomesin 1; minus strand). Cytogenetic location: 18p11.31.
Variant type: Inversion.
Coding change: c.5039_5040inv on transcript NM_003803.4 (MANE Select).
Protein change: p.Gly1680Asp; replaces glycine 1680 with aspartic acid.
Molecular consequence: missense variant.
Genome position: GRCh38 VCF-style: chr18-3067280-AC-GT. GRCh37 (hg19) VCF-style: chr18-3067278-AC-GT.
Other names: c.4751_4752inv, p.Gly1584Asp (NM_019856.2); short protein forms G1584D, G1680D.
Identifiers: ClinVar variation 1442339 (VCV001442339.5), ClinGen allele CA2573155063.